The following is an entry in ClinVar:

ClinVar aggregate classification (germline): Uncertain significance (1 of 4 stars; one submission).

Conditions:
Familial thoracic aortic aneurysm and aortic dissection (TAAD). Also called: Thoracic aortic aneurysms and dissections. Identifiers: Orphanet 91387, MedGen C4707243, MONDO:0019625.

Submission:

Ambry Genetics
Classification: Uncertain significance for Familial thoracic aortic aneurysm and aortic dissection. Last evaluated: 2019-11-12. Review status: criteria provided, single submitter. Criteria: Ambry Variant Classification Scheme 2023. Collection method: clinical testing. Allele origin: germline.
Comment: The p.V164A variant (also known as c.491T>C), located in coding exon 5 of the COL3A1 gene, results from a T to C substitution at nucleotide position 491. The valine at codon 164 is replaced by alanine, an amino acid with similar properties. This amino acid position is poorly conserved in available vertebrate species. In addition, this alteration is predicted to be tolerated by in silico analysis. Since supporting evidence is limited at this time, the clinical significance of this alteration remains unclear.

NM_000090.4(COL3A1):c.491T>C (p.Val164Ala)

Gene: COL3A1 (collagen type III alpha 1 chain; plus strand). Cytogenetic location: 2q32.2.
Variant type: single nucleotide variant.
Coding change: c.491T>C on transcript NM_000090.4 (MANE Select); coding-DNA position 491, T replaced by C.
Protein change: p.Val164Ala; replaces valine 164 with alanine.
Molecular consequence: missense variant.
Genome position (GRCh38, 1-based): chr2:188,987,102, T>C. VCF-style: chr2-188987102-T-C. GRCh37 (hg19) VCF-style: chr2-189851828-T-C.
Other names: short protein forms V164A.
Identifiers: ClinVar variation 1744115 (VCV001744115.2), dbSNP rs2469111466, ClinGen allele CA349848127.
Genomic context (GRCh38, chr2:188,987,102, plus strand): 5'-TTGTCTCCTTGCCACAGAACTATTCTCCCCAGTATGATTCATATGATGTCAAGTCTGGAG[T>C]AGCAGTAGGAGGACTCGCAGGCTATCCTGGACCAGCTGTACGTACAAATGTTTCTCAGCA-3'
Protein context (NP_000081.2, residues 154-174): QYDSYDVKSG[Val164Ala]AVGGLAGYPG